The following is an entry in ClinVar:

NM_017780.4(CHD7):c.5115G>A (p.Pro1705=)

Gene: CHD7 (chromodomain helicase DNA binding protein 7; plus strand). Cytogenetic location: 8q12.2.
Variant type: single nucleotide variant.
Coding change: c.5115G>A on transcript NM_017780.4 (MANE Select); coding-DNA position 5115, G replaced by A.
Protein change: p.Pro1705=; no amino-acid change (proline 1705 retained).
Molecular consequence: synonymous variant. On other transcripts: intron variant (1).
Genome position (GRCh38, 1-based): chr8:60,845,314, G>A. VCF-style: chr8-60845314-G-A. GRCh37 (hg19) VCF-style: chr8-61757873-G-A.
Other names: c.1717-16915G>A (NM_001316690.1).
Identifiers: ClinVar variation 195771 (VCV000195771.23), dbSNP rs191081055, ClinGen allele CA242350.

ClinVar aggregate classification (germline): Conflicting classifications of pathogenicity. Review status: criteria provided, conflicting classifications (1 of 4 stars). 6 submissions from 6 submitters: Uncertain significance (1); Benign (2); Likely benign (3). Last evaluated 2025-04-10.

Conditions:
CHD7-related disorder. Also called: CHD7-related condition.
Inborn genetic diseases. Identifiers: MedGen C0950123, MeSH D030342.
CHARGE syndrome (CHARGE). Also called: Coloboma, heart anomaly, choanal atresia, retardation, genital and ear anomalies; CHARGE association; Hall-Hittner syndrome; CHARGE ASSOCIATION--COLOBOMA, HEART ANOMALY, CHOANAL ATRESIA, RETARDATION, GENITAL AND EAR ANOMALIES; Hittner Hirsch Kreh syndrome. Identifiers: Orphanet 138, MedGen C0265354, MONDO:0008965.

Allele frequency attached by ClinVar (database versions not stated): gnomAD exomes 0.00002 and 0.00009; gnomAD 0.00004 and 0.00005; TOPMed 0.00005; ExAC 0.00007; 1000 Genomes Project 30x 0.00031; 1000 Genomes Project 0.00040.
gnomAD v4.1: 44 of 1,613,990 alleles (0.0027%); highest among the groups gnomAD compares: East Asian, 0.062%; 1 homozygote.

Submissions (6):

PreventionGenetics, part of Exact Sciences
Classification: Likely benign for CHD7-related condition. Last evaluated: 2025-04-10. Review status: criteria provided, single submitter. Criteria: ACMG Guidelines, 2015. Collection method: clinical testing. Allele origin: germline.
Comment: This variant is classified as likely benign based on ACMG/AMP sequence variant interpretation guidelines (Richards et al. 2015 PMID: 25741868, with internal and published modifications).

Labcorp Genetics (formerly Invitae), Labcorp
Classification: Benign for CHARGE syndrome. Last evaluated: 2024-07-21. Review status: criteria provided, single submitter. Criteria: Invitae Variant Classification Sherloc (09022015). Collection method: clinical testing. Allele origin: germline.

Blueprint Genetics
Classification: Likely benign. Last evaluated: 2023-07-05. Review status: criteria provided, single submitter. Criteria: ACMG Guidelines, 2015. Collection method: clinical testing. Allele origin: germline.

GeneDx
Classification: Benign. Last evaluated: 2019-07-08. Review status: criteria provided, single submitter. Criteria: GeneDx Variant Classification Process June 2021. Collection method: clinical testing. Allele origin: germline. Affected: yes.

Ambry Genetics
Classification: Likely benign for Inborn genetic diseases. Last evaluated: 2016-10-05. Review status: criteria provided, single submitter. Criteria: Ambry Variant Classification Scheme 2023. Collection method: clinical testing. Allele origin: germline.

Eurofins Ntd Llc (ga)
Classification: Uncertain significance. Last evaluated: 2014-12-30. Review status: criteria provided, single submitter. Criteria: EGL Classification Definitions 2015. Collection method: clinical testing. Allele origin: germline. Observed: 1 variant allele, 1 heterozygote.